The following is an entry in ClinVar:

NM_015466.4(PTPN23):c.547-7G>A

Gene: PTPN23 (protein tyrosine phosphatase non-receptor type 23; plus strand). Cytogenetic location: 3p21.31.
Variant type: single nucleotide variant.
Coding change: c.547-7G>A on transcript NM_015466.4 (MANE Select); 7 bases into the intron before coding-DNA position 547, G replaced by A.
Molecular consequence: intron variant.
Genome position (GRCh38, 1-based): chr3:47,406,318, G>A. VCF-style: chr3-47406318-G-A. GRCh37 (hg19) VCF-style: chr3-47447808-G-A.
Other names: c.169-7G>A (NM_001304482.2).
Identifiers: ClinVar variation 1964861 (VCV001964861.27), dbSNP rs1705122612, ClinGen allele CA1047582248.

ClinVar aggregate classification (germline): Conflicting classifications of pathogenicity. Review status: criteria provided, conflicting classifications (1 of 4 stars). 2 submissions from 2 submitters: Uncertain significance (1); Likely benign (1). Last evaluated 2024-02-01.

Allele frequency attached by ClinVar (database versions not stated): gnomAD 0.00001; gnomAD exomes 0.00001.
gnomAD v4.1: 15 of 1,613,304 alleles (0.00093%); highest among the groups gnomAD compares: South Asian, 0.0055%; no homozygotes.

Submissions (2):

CeGaT Center for Human Genetics Tuebingen
Classification: Uncertain significance. Last evaluated: 2024-02-01. Review status: criteria provided, single submitter. Criteria: CeGaT Center For Human Genetics Tuebingen Variant Classification Criteria Version 2. Collection method: clinical testing. Allele origin: germline. Affected: yes. Observed: 1 variant allele.
Comment: PTPN23: PM2, BP4

Labcorp Genetics (formerly Invitae), Labcorp
Classification: Likely benign. Last evaluated: 2023-10-09. Review status: criteria provided, single submitter. Criteria: Invitae Variant Classification Sherloc (09022015). Collection method: clinical testing. Allele origin: germline.